The following is an entry in ClinVar:

ClinVar aggregate classification (germline): Uncertain significance. Review status: criteria provided, multiple submitters, no conflicts (2 of 4 stars). 2 submissions from 2 submitters: Uncertain significance (2). Last evaluated 2024-04-30.

Conditions:
Hereditary cancer-predisposing syndrome. Also called: Tumor predisposition; Hereditary neoplastic syndrome; Hereditary Cancer Syndrome; Neoplastic Syndromes, Hereditary. Identifiers: Orphanet 140162, MedGen C0027672, MeSH D009386, MONDO:0015356.
Haddad syndrome (OHD). Also called: Ondine-Hirschsprung disease. Identifiers: Orphanet 99803, MedGen C1859049, MONDO:0020493.

Allele frequency attached by ClinVar (database versions not stated): gnomAD exomes below 0.00001.
gnomAD v4.1: 1 of 1,613,802 alleles (0.000062%); highest among the groups gnomAD compares: Non-Finnish European, 0.000085%; no homozygotes.

Submissions (2):

Ambry Genetics
Classification: Uncertain significance for Hereditary cancer-predisposing syndrome. Last evaluated: 2024-04-30. Review status: criteria provided, single submitter. Criteria: Ambry Variant Classification Scheme 2023. Collection method: clinical testing. Allele origin: germline.
Comment: The p.K185E variant (also known as c.553A>G), located in coding exon 3 of the PHOX2B gene, results from an A to G substitution at nucleotide position 553. The lysine at codon 185 is replaced by glutamic acid, an amino acid with similar properties. This amino acid position is conserved. In addition, the in silico prediction for this alteration is inconclusive. Based on the available evidence, the clinical significance of this variant remains unclear.

Labcorp Genetics (formerly Invitae), Labcorp
Classification: Uncertain significance for Haddad syndrome. Last evaluated: 2019-09-26. Review status: criteria provided, single submitter. Criteria: Invitae Variant Classification Sherloc (09022015). Collection method: clinical testing. Allele origin: germline.
Comment: This variant has not been reported in the literature in individuals with PHOX2B-related conditions. In summary, the available evidence is currently insufficient to determine the role of this variant in disease. Therefore, it has been classified as a Variant of Uncertain Significance. Algorithms developed to predict the effect of missense changes on protein structure and function are either unavailable or do not agree on the potential impact of this missense change (SIFT: "Deleterious"; PolyPhen-2: "Not Available"; Align-GVGD: "Class C0"). This variant is not present in population databases (ExAC no frequency). This sequence change replaces lysine with glutamic acid at codon 185 of the PHOX2B protein (p.Lys185Glu). The lysine residue is highly conserved and there is a small physicochemical difference between lysine and glutamic acid.

NM_003924.4(PHOX2B):c.553A>G (p.Lys185Glu)

Gene: PHOX2B (paired like homeobox 2B; minus strand). Cytogenetic location: 4p13.
Variant type: single nucleotide variant.
Coding change: c.553A>G on transcript NM_003924.4 (MANE Select); coding-DNA position 553, A replaced by G.
Protein change: p.Lys185Glu; replaces lysine 185 with glutamic acid.
Molecular consequence: missense variant.
Genome position (GRCh38, 1-based): chr4:41,746,199, T>C on the plus strand (A>G on the coding strand, the complement: PHOX2B is on the minus strand). VCF-style: chr4-41746199-T-C. GRCh37 (hg19) VCF-style: chr4-41748216-T-C.
Other names: short protein forms K185E.
Identifiers: ClinVar variation 963998 (VCV000963998.10), dbSNP rs1733894210, ClinGen allele CA356738139.
Genomic context (GRCh38, chr4:41,746,199, plus strand): 5'-TGGGGTTGGGATTGGGACCTGGGCCCCCAGTGCTGTCCGGGTCAGTGCTCTTGGCCTCTT[T>C]GCTCTCGTCGTCCCTGGAAGAGTCAGACTTTTTGCCCGAGGAGCCGTTCTTGGCCGCGGC-3'
Protein context (NP_003915.2, residues 175-195): KSDSSRDDES[Lys185Glu]EAKSTDPDST